The following is an entry in ClinVar:

ClinVar aggregate classification (germline): Pathogenic (1 of 4 stars; one submission).

Conditions:
Holt-Oram syndrome (HOS). Also called: TBX5-Related Holt-Oram Syndrome; Ventriculo-radial syndrome; Cardiac-limb syndrome; Heart-hand syndrome, type 1. Identifiers: Orphanet 392, MedGen C0265264, MONDO:0007732, OMIM 142900.

Submission:

Juno Genomics, Hangzhou Juno Genomics, Inc
Classification: Pathogenic for Holt-Oram syndrome. Review status: criteria provided, single submitter. Criteria: ACMG Guidelines, 2015. Collection method: clinical testing. Allele origin: germline. Affected: yes.
Comment: Null variant in a gene where loss of function (LOF) is a known mechanism of disease.;Absent from controls (or at extremely low frequency if recessive) in Genome Aggregation Database, Exome Sequencing Project, 1000 Genomes Project, or Exome Aggregation Consortium.;Patient's phenotype or family history is highly specific for a disease with a single genetic etiology.

NM_181486.4(TBX5):c.242+1G>T

Gene: TBX5 (T-box transcription factor 5; minus strand). Cytogenetic location: 12q24.21.
Variant type: single nucleotide variant.
Coding change: c.242+1G>T on transcript NM_181486.4 (MANE Select); the canonical splice donor site of the intron after coding-DNA position 242, G replaced by T.
Molecular consequence: splice donor variant.
Genome position (GRCh38, 1-based): chr12:114,401,825, C>A on the plus strand (G>T on the coding strand, the complement: TBX5 is on the minus strand). VCF-style: chr12-114401825-C-A. GRCh37 (hg19) VCF-style: chr12-114839630-C-A.
Other names: c.92+1G>T (NM_080717.4); c.242+1G>T (NM_000192.3).
Identifiers: ClinVar variation 3382136 (VCV003382136.2).